The following is an entry in ClinVar:

NM_017999.5(RNF31):c.2336C>T (p.Ala779Val)

Gene: RNF31 (ring finger protein 31; plus strand). Cytogenetic location: 14q12.
Variant type: single nucleotide variant.
Coding change: c.2336C>T on transcript NM_017999.5 (MANE Select); coding-DNA position 2336, C replaced by T.
Protein change: p.Ala779Val; replaces alanine 779 with valine.
Molecular consequence: missense variant.
Genome position (GRCh38, 1-based): chr14:24,155,445, C>T. VCF-style: chr14-24155445-C-T. GRCh37 (hg19) VCF-style: chr14-24624654-C-T.
Other names: c.1883C>T, p.Ala628Val (NM_001310332.2); short protein forms A628V, A779V.
Identifiers: ClinVar variation 1433200 (VCV001433200.6), dbSNP rs557824618, ClinGen allele CA7126029.

ClinVar aggregate classification (germline): Uncertain significance (1 of 4 stars; one submission).

Allele frequency attached by ClinVar (database versions not stated): gnomAD 0.00001 and 0.00003; ExAC 0.00002; gnomAD exomes 0.00002 and 0.00004; TOPMed 0.00002; 1000 Genomes Project 30x 0.00016; 1000 Genomes Project 0.00020.
gnomAD v4.1: 34 of 1,614,234 alleles (0.0021%); highest among the groups gnomAD compares: South Asian, 0.03%; no homozygotes.

Submission:

Labcorp Genetics (formerly Invitae), Labcorp
Classification: Uncertain significance. Last evaluated: 2025-04-08. Review status: criteria provided, single submitter. Criteria: Invitae Variant Classification Sherloc (09022015). Collection method: clinical testing. Allele origin: germline.
Comment: This sequence change replaces alanine, which is neutral and non-polar, with valine, which is neutral and non-polar, at codon 779 of the RNF31 protein (p.Ala779Val). This variant is present in population databases (rs557824618, gnomAD 0.03%). This variant has not been reported in the literature in individuals affected with RNF31-related conditions. ClinVar contains an entry for this variant (Variation ID: 1433200). An algorithm developed to predict the effect of missense changes on protein structure and function (PolyPhen-2) suggests that this variant is likely to be disruptive. In summary, the available evidence is currently insufficient to determine the role of this variant in disease. Therefore, it has been classified as a Variant of Uncertain Significance.